The following is an entry in ClinVar:

ClinVar aggregate classification (germline): Likely pathogenic. Review status: reviewed by expert panel (3 of 4 stars). 5 submissions from 5 submitters: Likely pathogenic (1). 4 of the submissions do not count toward it. Last evaluated 2026-04-28.

Conditions:
Autosomal recessive limb-girdle muscular dystrophy. Identifiers: Orphanet 102015, MedGen C2931907, MONDO:0015152.
Autosomal recessive limb-girdle muscular dystrophy type 2A (LGMDR1). Also called: Calpainopathy; LEYDEN-MOEBIUS MUSCULAR DYSTROPHY; MUSCULAR DYSTROPHY, PELVOFEMORAL; Limb-girdle muscular dystrophy, type 2A; Muscular dystrophy, limb-girdle, type 2A, Amish. Identifiers: Orphanet 267, MedGen C1869123, MONDO:0009675, OMIM 253600. Disease mechanism: loss of function.

Allele frequency attached by ClinVar (database versions not stated): gnomAD exomes below 0.00001.
gnomAD v4.1: 2 of 1,614,184 alleles (0.00012%); highest among the groups gnomAD compares: Non-Finnish European, 0.00017%; no homozygotes.

Submissions (5):

ClinGen Limb Girdle Muscular Dystrophy Variant Curation Expert Panel, ClinGen
Classification: Likely pathogenic for Autosomal recessive limb-girdle muscular dystrophy. Last evaluated: 2026-04-28. Review status: reviewed by expert panel. Criteria: ClinGen LGMD VCEP ACMG Specifications CAPN3 V2.0.0. Collection method: curation. Allele origin: germline. Inheritance: Autosomal recessive inheritance.
Comment: The NM_000070.3: c.620A>C variant in CAPN3 is a missense variant predicted to cause the substitution of lysine by threonine at amino acid position 207, p.(Lys207Thr). This variant has been identified with a second CAPN3 variant in at least five patients with LGMD, including in unknown phase with a pathogenic variant in four unrelated individuals (c.1746-20C>G, 2.0 pts) and confirmed in trans with a variant not yet curated by the VCEP and considered VUS (PMID: 16141003, 18055493, 30564623, 26404900; LOVD CAPN3_000227; GRASP-LGMD Consortium internal data communication) (PM3_Strong). At least one of these patients displayed progressive limb girdle muscle weakness (PP4). The highest minor allele frequency of this variant is 0.000001695 (2/1180038 chromosomes) in the European (non-Finnish) population in gnomAD v4.1.1, which is less than the LGMD VCEP threshold for PM2_Supporting (0.0001), meeting this criterion (PM2_Supporting). The computational predictor REVEL gives a score of 0.98, which is above the LGMD VCEP threshold of 0.70, evidence that correlates with impact to CAPN3 function (PP3). In summary, this variant meets the criteria to be classified as Likely Pathogenic for autosomal recessive limb girdle muscular dystrophy based on the ACMG/AMP criteria applied, as specified by the ClinGen LGMD VCEP (specifications v2.0.0; 04/28/2026): PM3_Strong, PP4, PM2_Supporting, PP3.

Revvity Omics, Revvity
Classification: Uncertain significance. Last evaluated: 2025-06-30. Review status: criteria provided, single submitter. Criteria: ACMG Guidelines, 2015. Collection method: clinical testing. Allele origin: germline. Not counted in ClinVar's aggregate classification.

Women's Health and Genetics/Laboratory Corporation of America, LabCorp
Classification: Uncertain significance. Last evaluated: 2024-07-24. Review status: criteria provided, single submitter. Criteria: LabCorp Variant Classification Summary - May 2015. Collection method: clinical testing. Allele origin: germline. Not counted in ClinVar's aggregate classification.
Comment: Variant summary: CAPN3 c.620A>C (p.Lys207Thr) results in a non-conservative amino acid change located in the Peptidase C2, calpain, catalytic domain (IPR001300) of the encoded protein sequence. Five of five in-silico tools predict a damaging effect of the variant on protein function. The variant was absent in 251446 control chromosomes. The available data on variant occurrences in the general population are insufficient to allow any conclusion about variant significance. c.620A>C has been reported in the literature in compound heterozygous and heterozygous individuals affected with Limb-Girdle Muscular Dystrophy (e.g. Piluso_2005, Groen_2007, Magri_2015, Nallamilli_2018). These reports do not provide unequivocal conclusions about association of the variant with Autosomal Recessive Limb-Girdle Muscular Dystrophy. To our knowledge, no experimental evidence demonstrating an impact on protein function has been reported. The following publications have been ascertained in the context of this evaluation (PMID: 18055493, 26404900, 30564623, 16141003). ClinVar contains an entry for this variant (Variation ID: 285460). Based on the evidence outlined above, the variant was classified as uncertain significance.

Labcorp Genetics (formerly Invitae), Labcorp
Classification: Uncertain significance for Autosomal recessive limb-girdle muscular dystrophy type 2A. Last evaluated: 2024-07-02. Review status: criteria provided, single submitter. Criteria: Invitae Variant Classification Sherloc (09022015). Collection method: clinical testing. Allele origin: germline. Not counted in ClinVar's aggregate classification.
Comment: This sequence change replaces lysine, which is basic and polar, with threonine, which is neutral and polar, at codon 207 of the CAPN3 protein (p.Lys207Thr). This variant is not present in population databases (gnomAD no frequency). This missense change has been observed in individual(s) with clinical features of limb-girdle muscular dystrophy (PMID: 16141003, 18055493, 30564623). ClinVar contains an entry for this variant (Variation ID: 285460). Advanced modeling of protein sequence and biophysical properties (such as structural, functional, and spatial information, amino acid conservation, physicochemical variation, residue mobility, and thermodynamic stability) performed at Invitae indicates that this missense variant is expected to disrupt CAPN3 protein function with a positive predictive value of 80%. In summary, the available evidence is currently insufficient to determine the role of this variant in disease. Therefore, it has been classified as a Variant of Uncertain Significance.

Eurofins Ntd Llc (ga)
Classification: Uncertain significance. Last evaluated: 2016-01-29. Review status: criteria provided, single submitter. Criteria: EGL Classification Definitions 2015. Collection method: clinical testing. Allele origin: germline. Observed: 2 variant alleles, 2 heterozygotes. Not counted in ClinVar's aggregate classification.

Literature cited by the submitters: PubMed 30564623 (cited by Women's Health and Genetics/Laboratory Corporation of America, LabCorp and Labcorp Genetics (formerly Invitae), Labcorp); PubMed 16141003 (cited by Women's Health and Genetics/Laboratory Corporation of America, LabCorp and Labcorp Genetics (formerly Invitae), Labcorp); PubMed 26404900 (cited by Women's Health and Genetics/Laboratory Corporation of America, LabCorp); PubMed 18055493 (cited by Women's Health and Genetics/Laboratory Corporation of America, LabCorp and Labcorp Genetics (formerly Invitae), Labcorp).

NM_000070.3(CAPN3):c.620A>C (p.Lys207Thr)

Gene: CAPN3 (calpain 3; plus strand). Cytogenetic location: 15q15.1.
Variant type: single nucleotide variant.
Coding change: c.620A>C on transcript NM_000070.3 (MANE Select); coding-DNA position 620, A replaced by C.
Protein change: p.Lys207Thr; replaces lysine 207 with threonine.
Molecular consequence: missense variant.
Genome position (GRCh38, 1-based): chr15:42,387,874, A>C. VCF-style: chr15-42387874-A-C. GRCh37 (hg19) VCF-style: chr15-42680072-A-C.
Other names: NM_000070.3(CAPN3):c.620A>C; p.Lys207Thr; c.620A>C (NM_000070.2); c.620A>C, p.Lys207Thr (NM_024344.2, NM_173087.2); short protein forms K207T.
Identifiers: ClinVar variation 285460 (VCV000285460.18), dbSNP rs886043108, ClinGen allele CA10605119.